The following is an entry in ClinVar:

NM_024741.3(ZNF408):c.2147_2149dup (p.Val716_Glu717insVal)

Gene: ZNF408 (zinc finger protein 408; plus strand). Cytogenetic location: 11p11.2.
Variant type: Duplication.
Coding change: c.2147_2149dup on transcript NM_024741.3 (MANE Select); coding-DNA positions 2147 to 2149, 3 bases duplicated (TGG; older notation c.2147_2149dupTGG).
Protein change: p.Val716_Glu717insVal.
Molecular consequence: inframe insertion.
Genome position (GRCh38, 1-based): chr11:46,705,847-46,705,849, TGG duplicated; duplicating any 3 consecutive bases within chr11:46,705,845-46,705,849 gives the same sequence; the c. name uses the placement nearest the transcript's 3' end. VCF-style (leftmost placement, unchanged base first): chr11-46705844-A-AGGT. GRCh37 (hg19) VCF-style: chr11-46727394-A-AGGT.
Other names: c.2123_2125dup, p.Val708_Glu709insVal (NM_001184751.2).
Identifiers: ClinVar variation 2007631 (VCV002007631.4), dbSNP rs763592327, ClinGen allele CA5966728.

ClinVar aggregate classification (germline): Uncertain significance (1 of 4 stars; one submission).

Submission:

Labcorp Genetics (formerly Invitae), Labcorp
Classification: Uncertain significance. Last evaluated: 2025-09-08. Review status: criteria provided, single submitter. Criteria: Invitae Variant Classification Sherloc (09022015). Collection method: clinical testing. Allele origin: germline.
Comment: This variant, c.2147_2149dup, results in the insertion of 1 amino acid(s) of the ZNF408 protein (p.Val716dup), but otherwise preserves the integrity of the reading frame. This variant is present in population databases (rs763592327, gnomAD 0.006%). This variant has not been reported in the literature in individuals affected with ZNF408-related conditions. ClinVar contains an entry for this variant (Variation ID: 2007631). In summary, the available evidence is currently insufficient to determine the role of this variant in disease. Therefore, it has been classified as a Variant of Uncertain Significance.